The following is an entry in ClinVar:

NM_001365276.2(TNXB):c.10564G>C (p.Gly3522Arg)

Gene: TNXB (tenascin XB; minus strand). Cytogenetic location: 6p21.33.
Variant type: single nucleotide variant.
Coding change: c.10564G>C on transcript NM_001365276.2 (MANE Select); coding-DNA position 10564, G replaced by C.
Protein change: p.Gly3522Arg; replaces glycine 3522 with arginine.
Molecular consequence: missense variant.
Genome position (GRCh38, 1-based): chr6:32,046,217, C>G on the plus strand (G>C on the coding strand, the complement: TNXB is on the minus strand). VCF-style: chr6-32046217-C-G. GRCh37 (hg19) VCF-style: chr6-32013994-C-G.
Other names: c.11305G>C, p.Gly3769Arg (NM_001428335.1); c.10558G>C, p.Gly3520Arg (NM_019105.8); short protein forms G3520R, G3522R, G3769R.
Identifiers: ClinVar variation 3809375 (VCV003809375.1).

ClinVar aggregate classification (germline): Uncertain significance (1 of 4 stars; one submission).

Conditions:
Cardiovascular phenotype. Identifiers: MedGen CN230736.

gnomAD v4.1: 1 of 1,598,522 alleles (0.000063%); no homozygotes.

Submission:

Ambry Genetics
Classification: Uncertain significance for Cardiovascular phenotype. Last evaluated: 2025-03-09. Review status: criteria provided, single submitter. Criteria: Ambry Variant Classification Scheme 2023. Collection method: clinical testing. Allele origin: germline.
Comment: The p.G3520R variant (also known as c.10558G>C), located in coding exon 30 of the TNXB gene, results from a G to C substitution at nucleotide position 10558. The glycine at codon 3520 is replaced by arginine, an amino acid with dissimilar properties. This amino acid position is conserved. In addition, this alteration is predicted to be tolerated by in silico analysis. Based on the available evidence, the clinical significance of this variant remains unclear.